The following is an entry in ClinVar:

ClinVar aggregate classification (germline): Uncertain significance (1 of 4 stars; one submission).

Conditions:
Multiple endocrine neoplasia, type 1 (MEN1). Also called: Endocrine adenomatosis multiple; MEN 1; MEN I; WERMER SYNDROME; MEA I. Identifiers: Orphanet 652, MedGen C0025267, MeSH D018761, MONDO:0007540, OMIM 131100.

Allele frequency attached by ClinVar (database versions not stated): gnomAD exomes below 0.00001.
gnomAD v4.1: 1 of 1,613,564 alleles (0.000062%); highest among the groups gnomAD compares: Non-Finnish European, 0.000085%; no homozygotes.

Submission:

Labcorp Genetics (formerly Invitae), Labcorp
Classification: Uncertain significance for Multiple endocrine neoplasia, type 1. Last evaluated: 2019-04-26. Review status: criteria provided, single submitter. Criteria: Invitae Variant Classification Sherloc (09022015). Collection method: clinical testing. Allele origin: germline.
Comment: In summary, the available evidence is currently insufficient to determine the role of this variant in disease. Therefore, it has been classified as a Variant of Uncertain Significance. Algorithms developed to predict the effect of missense changes on protein structure and function (SIFT, PolyPhen-2, Align-GVGD) all suggest that this variant is likely to be tolerated, but these predictions have not been confirmed by published functional studies and their clinical significance is uncertain. This variant has not been reported in the literature in individuals with MEN1-related disease. This variant is not present in population databases (ExAC no frequency). This sequence change replaces alanine with serine at codon 100 of the MEN1 protein (p.Ala100Ser). The alanine residue is highly conserved and there is a moderate physicochemical difference between alanine and serine.

NM_001370259.2(MEN1):c.298G>T (p.Ala100Ser)

Gene: MEN1 (menin 1; minus strand). Cytogenetic location: 11q13.1.
Variant type: single nucleotide variant.
Coding change: c.298G>T on transcript NM_001370259.2 (MANE Select); coding-DNA position 298, G replaced by T.
Protein change: p.Ala100Ser; replaces alanine 100 with serine.
Molecular consequence: missense variant.
Genome position (GRCh38, 1-based): chr11:64,809,812, C>A on the plus strand (G>T on the coding strand, the complement: MEN1 is on the minus strand). VCF-style: chr11-64809812-C-A. GRCh37 (hg19) VCF-style: chr11-64577284-C-A.
Other names: c.298G>T, p.Ala100Ser (NM_130804.3, NM_000244.4, NM_001370251.2 and 9 more transcripts); short protein forms A100S.
Identifiers: ClinVar variation 654504 (VCV000654504.10), dbSNP rs1592658683, ClinGen allele CA381187456.
Genomic context (GRCh38, chr11:64,809,812, plus strand): 5'-TCTTCACCAGCTCACGGCTGGAGACACCCCCTTCTCGAGGATAGAGGGACAGGTCGACGG[C>A]GCCTCGGATCTGGGCGGTGAAGCGGGCATAGAGGGCGGCGATGATAGACAGGTCGGCCAC-3'
Protein context (NP_001357188.2, residues 90-110): YARFTAQIRG[Ala100Ser]VDLSLYPREG